The following is an entry in ClinVar:

NM_198859.4(PRICKLE2):c.1562G>A (p.Arg521His)

Gene: PRICKLE2 (prickle planar cell polarity protein 2; minus strand). Cytogenetic location: 3p14.1.
Variant type: single nucleotide variant.
Coding change: c.1562G>A on transcript NM_198859.4 (MANE Select); coding-DNA position 1562, G replaced by A.
Protein change: p.Arg521His; replaces arginine 521 with histidine.
Molecular consequence: missense variant.
Genome position (GRCh38, 1-based): chr3:64,146,928, C>T on the plus strand (G>A on the coding strand, the complement: PRICKLE2 is on the minus strand). VCF-style: chr3-64146928-C-T. GRCh37 (hg19) VCF-style: chr3-64132604-C-T.
Other names: c.1562G>A, p.Arg521His (NM_001370528.1); c.1562G>A (NM_198859.3); short protein forms R521H.
Identifiers: ClinVar variation 2059708 (VCV002059708.5), dbSNP rs779903053, ClinGen allele CA2479605.

ClinVar aggregate classification (germline): Uncertain significance. Review status: criteria provided, multiple submitters, no conflicts (2 of 4 stars). 2 submissions from 2 submitters: Uncertain significance (2). Last evaluated 2025-06-04.

Conditions:
Progressive myoclonic epilepsy type 5. Identifiers: Orphanet 402082, MedGen C5190799.

Allele frequency attached by ClinVar (database versions not stated): gnomAD 0.00001; ExAC 0.00002; gnomAD exomes 0.00002; TOPMed 0.00002.
gnomAD v4.1: 26 of 1,613,986 alleles (0.0016%); highest among the groups gnomAD compares: Admixed American, 0.0067%; no homozygotes.

Submissions (2):

Ambry Genetics
Classification: Uncertain significance. Last evaluated: 2025-06-04. Review status: criteria provided, single submitter. Criteria: Ambry Variant Classification Scheme 2023. Collection method: clinical testing. Allele origin: germline.

Labcorp Genetics (formerly Invitae), Labcorp
Classification: Uncertain significance for Progressive myoclonic epilepsy type 5. Last evaluated: 2025-05-12. Review status: criteria provided, single submitter. Criteria: Invitae Variant Classification Sherloc (09022015). Collection method: clinical testing. Allele origin: germline.
Comment: This sequence change replaces arginine, which is basic and polar, with histidine, which is basic and polar, at codon 521 of the PRICKLE2 protein (p.Arg521His). This variant is present in population databases (rs779903053, gnomAD 0.01%). This variant has not been reported in the literature in individuals affected with PRICKLE2-related conditions. ClinVar contains an entry for this variant (Variation ID: 2059708). Invitae Evidence Modeling of protein sequence and biophysical properties (such as structural, functional, and spatial information, amino acid conservation, physicochemical variation, residue mobility, and thermodynamic stability) indicates that this missense variant is not expected to disrupt PRICKLE2 protein function with a negative predictive value of 80%. In summary, the available evidence is currently insufficient to determine the role of this variant in disease. Therefore, it has been classified as a Variant of Uncertain Significance.